The following is an entry in ClinVar:

NM_000383.4(AIRE):c.1012T>C (p.Ser338Pro)

Gene: AIRE (autoimmune regulator; plus strand). Cytogenetic location: 21q22.3.
Variant type: single nucleotide variant.
Coding change: c.1012T>C on transcript NM_000383.4 (MANE Select); coding-DNA position 1012, T replaced by C.
Protein change: p.Ser338Pro; replaces serine 338 with proline.
Molecular consequence: missense variant.
Genome position (GRCh38, 1-based): chr21:44,292,318, T>C. VCF-style: chr21-44292318-T-C. GRCh37 (hg19) VCF-style: chr21-45712201-T-C.
Other names: short protein forms S338P.
Identifiers: ClinVar variation 2062732 (VCV002062732.3), dbSNP rs374555273, ClinGen allele CA321794596.

ClinVar aggregate classification (germline): Uncertain significance (1 of 4 stars; one submission).

Conditions:
Polyglandular autoimmune syndrome, type 1 (APS1). Also called: Autoimmune polyendocrinopathy syndrome , type I, with or without reversible metaphyseal dysplasia; Autoimmune polyendocrine syndrome type 1; HYPOADRENOCORTICISM WITH HYPOPARATHYROIDISM AND SUPERFICIAL MONILIASIS; Autoimmune polyendocrinopathy syndrome, type I; AUTOIMMUNE POLYENDOCRINE SYNDROME, TYPE I, WITH OR WITHOUT REVERSIBLE METAPHYSEAL DYSPLASIA; APS I. Identifiers: Orphanet 3453, MedGen C0085859, MONDO:0009411, OMIM 240300.

Allele frequency attached by ClinVar (database versions not stated): gnomAD exomes 0.00001; TOPMed 0.00001; ESP Exome Variant Server 0.00008.

Submission:

Labcorp Genetics (formerly Invitae), Labcorp
Classification: Uncertain significance for Polyglandular autoimmune syndrome, type 1. Last evaluated: 2024-07-23. Review status: criteria provided, single submitter. Criteria: Invitae Variant Classification Sherloc (09022015). Collection method: clinical testing. Allele origin: germline.
Comment: This sequence change replaces serine, which is neutral and polar, with proline, which is neutral and non-polar, at codon 338 of the AIRE protein (p.Ser338Pro). This variant is not present in population databases (gnomAD no frequency). This variant has not been reported in the literature in individuals affected with AIRE-related conditions. ClinVar contains an entry for this variant (Variation ID: 2062732). Advanced modeling of protein sequence and biophysical properties (such as structural, functional, and spatial information, amino acid conservation, physicochemical variation, residue mobility, and thermodynamic stability) performed at Invitae indicates that this missense variant is not expected to disrupt AIRE protein function with a negative predictive value of 95%. In summary, the available evidence is currently insufficient to determine the role of this variant in disease. Therefore, it has been classified as a Variant of Uncertain Significance.